The following is an entry in ClinVar:

ClinVar aggregate classification (germline): Pathogenic. Review status: criteria provided, multiple submitters, no conflicts (2 of 4 stars). 2 submissions from 2 submitters: Pathogenic (2). Last evaluated 2025-11-05.

Conditions:
Hereditary cancer-predisposing syndrome. Also called: Neoplastic Syndromes, Hereditary; Tumor predisposition; Hereditary Cancer Syndrome; Hereditary neoplastic syndrome. Identifiers: Orphanet 140162, MedGen C0027672, MeSH D009386, MONDO:0015356.
Hereditary breast ovarian cancer syndrome. Also called: Hereditary breast and/or ovarian cancer syndrome; Hereditary breast and ovarian cancer; Hereditary breast and ovarian cancer syndrome (HBOC); Hereditary breast and ovarian cancer syndrome; Breast and ovarian cancer; BRCA1- and BRCA2-Associated Hereditary Breast and Ovarian Cancer. Identifiers: Orphanet 145, MedGen C0677776, MeSH D061325, MONDO:0003582. Disease mechanism: loss of function.

Submissions (2):

Labcorp Genetics (formerly Invitae), Labcorp
Classification: Pathogenic for Hereditary breast ovarian cancer syndrome. Last evaluated: 2025-11-05. Review status: criteria provided, single submitter. Criteria: Invitae Variant Classification Sherloc (09022015). Collection method: clinical testing. Allele origin: germline.
Comment: This sequence change creates a premature translational stop signal (p.Glu1004*) in the BRCA1 gene. It is expected to result in an absent or disrupted protein product. Loss-of-function variants in BRCA1 are known to be pathogenic (PMID: 20104584). This variant is not present in population databases (gnomAD no frequency). This premature translational stop signal has been observed in individual(s) with clinical features of hereditary breast and ovarian cancer (HBOC) syndrome (PMID: 29446198). ClinVar contains an entry for this variant (Variation ID: 1798774). For these reasons, this variant has been classified as Pathogenic.

Ambry Genetics
Classification: Pathogenic for Hereditary cancer-predisposing syndrome. Last evaluated: 2024-02-22. Review status: criteria provided, single submitter. Criteria: Ambry Variant Classification Scheme 2023. Collection method: clinical testing. Allele origin: germline.
Comment: The c.3009dupT pathogenic mutation, located in coding exon 9 of the BRCA1 gene, results from a duplication of T at nucleotide position 3009, causing a translational frameshift with a predicted alternate stop codon (p.E1004*). This variant is considered to be rare based on population cohorts in the Genome Aggregation Database (gnomAD). This alteration is expected to result in loss of function by premature protein truncation or nonsense-mediated mRNA decay. As such, this alteration is interpreted as a disease-causing mutation.

Literature cited by the submitters: PubMed 20104584 (cited by Labcorp Genetics (formerly Invitae), Labcorp); PubMed 29446198 (cited by Labcorp Genetics (formerly Invitae), Labcorp).

NM_007294.4(BRCA1):c.3009dup (p.Glu1004Ter)

Gene: BRCA1 (BRCA1 DNA repair associated; minus strand). Cytogenetic location: 17q21.31.
Variant type: Duplication.
Coding change: c.3009dup on transcript NM_007294.4 (MANE Select); coding-DNA position 3009, one base duplicated (T; older notation c.3009dupT).
Protein change: p.Glu1004Ter; replaces glutamic acid 1004 with a stop codon.
Molecular consequence: nonsense. On other transcripts: frameshift variant (1), intron variant (137).
Genome position (GRCh38, 1-based): chr17:43,092,522, A duplicated on the plus strand (T on the coding strand, the reverse complement: BRCA1 is on the minus strand); the first of 3 consecutive A bases (chr17:43,092,522-43,092,524); duplicating any one gives the same sequence. VCF-style (leftmost placement, unchanged base first): chr17-43092521-C-CA. GRCh37 (hg19) VCF-style: chr17-41244538-C-CA.
Other names: c.3006dup, p.Glu1003Ter (NM_001407645.1, NM_001407587.1, NM_001407590.1 and 22 more transcripts); c.2931dup, p.Glu978Ter (NM_001407653.1, NM_001407654.1, NM_001407655.1 and 4 more transcripts); c.2928dup, p.Glu977Ter (NM_001407659.1, NM_001407660.1, NM_001407661.1 and 1 more transcripts); c.2886dup, p.Glu963Ter (NM_001407664.1, NM_001407648.1, NM_001407665.1 and 19 more transcripts); c.3000dup, p.Glu1001Ter (NM_001407646.1, NM_001407647.1); c.2883dup, p.Glu962Ter (NM_001407649.1, NM_001407670.1, NM_001407671.1 and 11 more transcripts); c.3009dup, p.Glu1004Ter (NM_001407652.1, NM_001407581.1, NM_001407582.1 and 30 more transcripts); c.3009dupT (NM_007294.3); and 42 more; short protein forms E957*, E1004*, E1003*, E836*, E893*, E936*, E977*, E876*.
Identifiers: ClinVar variation 1798774 (VCV001798774.7), dbSNP rs80357617, ClinGen allele CA2580093925.